The following is an entry in ClinVar:

Conditions:
Arteriohepatic dysplasia. Also called: Alagille Syndrome. Identifiers: Orphanet 52, MedGen C0085280, MeSH D016738, MONDO:0007318.

Submission:

Gilbert/Spinner Lab, Children's Hospital of Philadelphia
No classification provided (evidence only). Condition: Alagille syndrome. Review status: no classification provided. Collection method: research. Allele origin: not applicable. Functional consequence: functionally_abnormal.
ClinVar note: "not provided" was previously submitted as the classification for the variant. However, the classification appeared to be based only on an observation of functional data so it was converted to no classification on 2025-07-30.

NM_000214.3(JAG1):c.936T>G (p.Cys312Trp)

Gene: JAG1 (jagged canonical Notch ligand 1; minus strand). Cytogenetic location: 20p12.2.
Variant type: single nucleotide variant.
Coding change: c.936T>G on transcript NM_000214.3 (MANE Select); coding-DNA position 936, T replaced by G.
Protein change: p.Cys312Trp; replaces cysteine 312 with tryptophan.
Molecular consequence: missense variant.
Genome position (GRCh38, 1-based): chr20:10,652,201, A>C on the plus strand (T>G on the coding strand, the complement: JAG1 is on the minus strand). VCF-style: chr20-10652201-A-C. GRCh37 (hg19) VCF-style: chr20-10632849-A-C.
Other names: short protein forms C312W.
Identifiers: ClinVar variation 3573189 (VCV003573189.2).